The following is an entry in ClinVar:

NM_001079866.2(BCS1L):c.1147C>A (p.His383Asn)

Gene: BCS1L (BCS1 ubiquinol-cytochrome c reductase complex chaperone; plus strand). Cytogenetic location: 2q35.
Variant type: single nucleotide variant.
Coding change: c.1147C>A on transcript NM_001079866.2 (MANE Select); coding-DNA position 1147, C replaced by A.
Protein change: p.His383Asn; replaces histidine 383 with asparagine.
Molecular consequence: missense variant. On other transcripts: non-coding transcript variant (1).
Genome position (GRCh38, 1-based): chr2:218,663,273, C>A. VCF-style: chr2-218663273-C-A. GRCh37 (hg19) VCF-style: chr2-219527996-C-A.
Other names: c.787C>A, p.His263Asn (NM_001318836.2, NM_001371451.1); c.1147C>A, p.His383Asn (NM_001320717.2, NM_001371443.1, NM_001371444.1 and 10 more transcripts); c.646C>A, p.His216Asn (NM_001374086.1, NM_001371452.1, NM_001371453.1 and 3 more transcripts); short protein forms H216N, H383N, H263N.
Identifiers: ClinVar variation 2087096 (VCV002087096.4), dbSNP rs770355409, ClinGen allele CA2109846.

ClinVar aggregate classification (germline): Uncertain significance (1 of 4 stars; one submission).

Allele frequency attached by ClinVar (database versions not stated): gnomAD exomes 0.00001; ExAC 0.00002.
gnomAD v4.1: 4 of 1,614,220 alleles (0.00025%); highest among the groups gnomAD compares: East Asian, 0.0089%; no homozygotes.

Submission:

Labcorp Genetics (formerly Invitae), Labcorp
Classification: Uncertain significance. Last evaluated: 2024-01-22. Review status: criteria provided, single submitter. Criteria: Invitae Variant Classification Sherloc (09022015). Collection method: clinical testing. Allele origin: germline.
Comment: This sequence change replaces histidine, which is basic and polar, with asparagine, which is neutral and polar, at codon 383 of the BCS1L protein (p.His383Asn). This variant is present in population databases (rs770355409, gnomAD 0.01%). This variant has not been reported in the literature in individuals affected with BCS1L-related conditions. ClinVar contains an entry for this variant (Variation ID: 2087096). Advanced modeling of protein sequence and biophysical properties (such as structural, functional, and spatial information, amino acid conservation, physicochemical variation, residue mobility, and thermodynamic stability) performed at Invitae indicates that this missense variant is not expected to disrupt BCS1L protein function with a negative predictive value of 95%. In summary, the available evidence is currently insufficient to determine the role of this variant in disease. Therefore, it has been classified as a Variant of Uncertain Significance.